The following is an entry in ClinVar:

ClinVar aggregate classification (germline): Likely pathogenic (1 of 4 stars; one submission).

Conditions:
MTRFR-related disorder. Also called: MTRFR-related condition.

Submission:

PreventionGenetics, part of Exact Sciences
Classification: Likely pathogenic for MTRFR-related condition. Last evaluated: 2023-05-26. Review status: criteria provided, single submitter. Criteria: ACMG Guidelines, 2015. Collection method: clinical testing. Allele origin: germline.
Comment: The MTRFR c.385_404dup20 variant is predicted to result in a frameshift and premature protein termination (p.Lys138Asnfs*45). To our knowledge, this variant has not been reported in the literature or in a large population database, indicating this variant is rare. Frameshift variants in MTRFR are expected to be pathogenic. This variant is interpreted as likely pathogenic.

NM_152269.5(MTRFR):c.385_404dup (p.Lys138fs)

Gene: MTRFR (mitochondrial translation release factor in rescue; plus strand). Cytogenetic location: 12q24.31.
Variant type: Duplication.
Coding change: c.385_404dup on transcript NM_152269.5 (MANE Select); coding-DNA positions 385 to 404, 20 bases duplicated (AAAGAAAAACGAGAAGCGGC).
Protein change: p.Lys138fs; shifts the reading frame from lysine 138.
Molecular consequence: frameshift variant.
Genome position (GRCh38, 1-based): chr12:123,256,915-123,256,934, AAAGAAAAACGAGAAGCGGC duplicated; duplicating any 20 consecutive bases within chr12:123,256,914-123,256,934 gives the same sequence; the c. name uses the placement nearest the transcript's 3' end. VCF-style (leftmost placement, unchanged base first): chr12-123256913-A-ACAAAGAAAAACGAGAAGCGG. GRCh37 (hg19) VCF-style: chr12-123741460-A-ACAAAGAAAAACGAGAAGCGG.
Other names: c.385_404dup, p.Lys138fs (NM_001143905.2, NM_001194995.1); short protein forms K138fs.
Identifiers: ClinVar variation 2633282 (VCV002633282.1), dbSNP rs2547600304, ClinGen allele CA2695199183.